The following is an entry in ClinVar:

NM_000439.5(PCSK1):c.282T>C (p.Asp94=)

Genes: CAST (calpastatin; plus strand), PCSK1 (proprotein convertase subtilisin/kexin type 1; minus strand), LOC101929710 (uncharacterized LOC101929710; plus strand). Cytogenetic location: 5q15.
Variant type: single nucleotide variant.
Coding change: c.282T>C on transcript NM_000439.5 (MANE Select); coding-DNA position 282, T replaced by C.
Protein change: p.Asp94=; no amino-acid change (aspartic acid 94 retained).
Molecular consequence: synonymous variant. On other transcripts: intron variant (11).
Genome position (GRCh38, 1-based): chr5:96,429,216, A>G on the plus strand (T>C on the coding strand, the complement: PCSK1 is on the minus strand). VCF-style: chr5-96429216-A-G. GRCh37 (hg19) VCF-style: chr5-95764920-A-G.
Other names: c.141T>C, p.Asp47= (NM_001177875.2); c.-175+49564A>G (NM_001423254.1, NM_001423259.1, NM_001423255.1 and 6 more transcripts); c.-103+49564A>G (NM_001423253.1); c.-40+49564A>G (NM_001423258.1).
Identifiers: ClinVar variation 3029244 (VCV003029244.2), dbSNP rs565135413, ClinGen allele CA3350544.
Genomic context (GRCh38, chr5:96,429,216, plus strand): 5'-CATAAAGAAAGCAGATAAGCTAGAGTATTGGTTTGAAGACAAATGTACAACACTTACACG[A>G]TCATCATCAGATAATCTCTTAGTGATATGAAAGGCACTCCTTCGAGACCTTCTGGGGTGG-3'
Protein context (NP_000430.3, residues 84-104): FHITKRLSDD[Asp94=]RVIWAEQQYE

ClinVar aggregate classification (germline): Likely benign (0 of 4 stars; one submission).

Conditions:
PCSK1-related disorder. Also called: PCSK1-related condition.

Allele frequency attached by ClinVar (database versions not stated): 1000 Genomes Project 30x 0.00016; TOPMed 0.00001; gnomAD exomes 0.00002; ExAC 0.00003; 1000 Genomes Project 0.00020; gnomAD 0.00001.
gnomAD v4.1: 26 of 1,491,568 alleles (0.0017%); highest among the groups gnomAD compares: South Asian, 0.025%; no homozygotes.

Submission:

PreventionGenetics, part of Exact Sciences
Classification: Likely benign for PCSK1-related condition. Last evaluated: 2022-05-24. Review status: no assertion criteria provided. Collection method: clinical testing. Allele origin: germline.
Comment: This variant is classified as likely benign based on ACMG/AMP sequence variant interpretation guidelines (Richards et al. 2015 PMID: 25741868, with internal and published modifications).